The following is an entry in ClinVar:

ClinVar aggregate classification (germline): Likely benign. Review status: criteria provided, multiple submitters, no conflicts (2 of 4 stars). 3 submissions from 3 submitters: Likely benign (2). 1 of the submissions does not count toward it. Last evaluated 2025-08-17.

Conditions:
ACAD9-related disorder. Also called: ACAD9-related condition.

Allele frequency attached by ClinVar (database versions not stated): ExAC 0.00003; gnomAD 0.00003 and 0.00004; gnomAD exomes 0.00003 and 0.00004; TOPMed 0.00003.
gnomAD v4.1: 62 of 1,614,052 alleles (0.0038%); highest among the groups gnomAD compares: South Asian, 0.011%; no homozygotes.

Submissions (3):

Labcorp Genetics (formerly Invitae), Labcorp
Classification: Likely benign. Last evaluated: 2025-08-17. Review status: criteria provided, single submitter. Criteria: Invitae Variant Classification Sherloc (09022015). Collection method: clinical testing. Allele origin: germline.

Blueprint Genetics
Classification: Likely benign. Last evaluated: 2024-10-30. Review status: criteria provided, single submitter. Criteria: ACMG Guidelines, 2015. Collection method: clinical testing. Allele origin: germline.

PreventionGenetics, part of Exact Sciences
Classification: Likely benign for ACAD9-related condition. Last evaluated: 2021-01-11. Review status: no assertion criteria provided. Collection method: clinical testing. Allele origin: germline. Not counted in ClinVar's aggregate classification.
Comment: This variant is classified as likely benign based on ACMG/AMP sequence variant interpretation guidelines (Richards et al. 2015 PMID: 25741868, with internal and published modifications).

NM_014049.5(ACAD9):c.975C>T (p.Tyr325=)

Gene: ACAD9 (acyl-CoA dehydrogenase family member 9; plus strand). Cytogenetic location: 3q21.3.
Variant type: single nucleotide variant.
Coding change: c.975C>T on transcript NM_014049.5 (MANE Select); coding-DNA position 975, C replaced by T.
Protein change: p.Tyr325=; no amino-acid change (tyrosine 325 retained).
Molecular consequence: synonymous variant. On other transcripts: non-coding transcript variant (1).
Genome position (GRCh38, 1-based): chr3:128,904,078, C>T. VCF-style: chr3-128904078-C-T. GRCh37 (hg19) VCF-style: chr3-128622921-C-T.
Identifiers: ClinVar variation 760425 (VCV000760425.13), dbSNP rs746762497, ClinGen allele CA2601367.